The following is an entry in ClinVar:

NM_023110.3(FGFR1):c.154C>T (p.Gln52Ter)

Gene: FGFR1 (fibroblast growth factor receptor 1; minus strand). Cytogenetic location: 8p11.23.
Variant type: single nucleotide variant.
Coding change: c.154C>T on transcript NM_023110.3 (MANE Select); coding-DNA position 154, C replaced by T.
Protein change: p.Gln52Ter; replaces glutamine 52 with a stop codon.
Molecular consequence: nonsense. On other transcripts: intron variant (5).
Genome position (GRCh38, 1-based): chr8:38,429,886, G>A on the plus strand (C>T on the coding strand, the complement: FGFR1 is on the minus strand). VCF-style: chr8-38429886-G-A. GRCh37 (hg19) VCF-style: chr8-38287404-G-A.
Other names: c.154C>T, p.Gln52Ter (NM_000604.2, NM_001174063.2, NM_001174065.2 and 4 more transcripts); c.130C>T, p.Gln44Ter (NM_001174064.2); c.253C>T, p.Gln85Ter (NM_001174067.2); c.92-1451C>T (NM_001354368.2, NM_001354370.2, NM_023106.3 and 2 more transcripts); short protein forms Q44*, Q52*, Q85*.
Identifiers: ClinVar variation 2505462 (VCV002505462.3), dbSNP rs2150964621, ClinGen allele CA370736538.

ClinVar aggregate classification (germline): Pathogenic. Review status: criteria provided, multiple submitters, no conflicts (2 of 4 stars). 3 submissions from 3 submitters: Pathogenic (2). 1 of the submissions does not count toward it. Last evaluated 2025-08-20.

Conditions:
Hypogonadotropic hypogonadism 2 with or without anosmia (HH2). Also called: FGFR1-Related GnRH Deficiency (Kallmann Syndrome 2); HYPOGONADOTROPIC HYPOGONADISM 2 WITHOUT ANOSMIA; HYPOGONADOTROPIC HYPOGONADISM 2 WITH OR WITHOUT ANOSMIA, SUSCEPTIBILITY TO; HYPOGONADOTROPIC HYPOGONADISM 2 WITHOUT ANOSMIA, SUSCEPTIBILITY TO. Identifiers: Orphanet 478, MedGen C1563720, MONDO:0007844, OMIM 147950. Disease mechanism: loss of function.
Pfeiffer syndrome (ACS5). Also called: ACS V. Identifiers: Orphanet 710, MedGen C0220658, MONDO:0007043, OMIM 101600.

Submissions (3):

Labcorp Genetics (formerly Invitae), Labcorp
Classification: Pathogenic for Pfeiffer syndrome; Hypogonadotropic hypogonadism 2 with or without anosmia. Last evaluated: 2025-08-20. Review status: criteria provided, single submitter. Criteria: Invitae Variant Classification Sherloc (09022015). Collection method: clinical testing. Allele origin: germline.
Comment: This sequence change creates a premature translational stop signal (p.Gln52*) in the FGFR1 gene. It is expected to result in an absent or disrupted protein product. Loss-of-function variants in FGFR1 are known to be pathogenic (PMID: 12627230). This variant is not present in population databases (gnomAD no frequency). This premature translational stop signal has been observed in individual(s) with FGFR1-related conditions (PMID: 37805574). ClinVar contains an entry for this variant (Variation ID: 2505462). For these reasons, this variant has been classified as Pathogenic.

Reproductive Endocrine Unit, Massachusetts General Hospital
Classification: Pathogenic for Hypogonadotropic hypogonadism 2 with or without anosmia. Last evaluated: 2023-05-04. Review status: criteria provided, single submitter. Criteria: ACMG Guidelines, 2015. Collection method: research. Allele origin: unknown. Affected: yes. Observed: 1 variant allele.
Comment: The variant NM_023110.2:c.154C>T, p.(Gln52*) het has been classified as P1c based on the variant meeting the following ACMG Criteria: PVS1,PM2,PP3.

Department of Urology, Children's Hospital, Zhejiang University School of Medicine
Classification: Likely pathogenic for Hypogonadotropic hypogonadism 2 with or without anosmia. Last evaluated: 2025-04-10. Review status: no assertion criteria provided. Criteria: Submitter's publication. Collection method: provider interpretation. Allele origin: unknown. Affected: yes. Not counted in ClinVar's aggregate classification.

Literature cited by the submitters: PubMed 12627230 (cited by Labcorp Genetics (formerly Invitae), Labcorp); PubMed 37805574 (cited by Labcorp Genetics (formerly Invitae), Labcorp).